The following is an entry in ClinVar:

NM_004991.4(MECOM):c.617A>C (p.Glu206Ala)

Gene: MECOM (MDS1 and EVI1 complex locus; minus strand). Cytogenetic location: 3q26.2.
Variant type: single nucleotide variant.
Coding change: c.617A>C on transcript NM_004991.4 (MANE Select); coding-DNA position 617, A replaced by C.
Protein change: p.Glu206Ala; replaces glutamic acid 206 with alanine.
Molecular consequence: missense variant.
Genome position (GRCh38, 1-based): chr3:169,128,057, T>G on the plus strand (A>C on the coding strand, the complement: MECOM is on the minus strand). VCF-style: chr3-169128057-T-G. GRCh37 (hg19) VCF-style: chr3-168845845-T-G.
Other names: c.53A>C, p.Glu18Ala (NM_001366469.2, NM_001366470.2, NM_001366471.2 and 9 more transcripts); c.617A>C, p.Glu206Ala (NM_001366473.2, NM_001366466.2); c.245A>C, p.Glu82Ala (NM_001105077.4); short protein forms E18A, E206A, E82A.
Identifiers: ClinVar variation 4859792 (VCV004859792.1).

ClinVar aggregate classification (germline): Uncertain significance (1 of 4 stars; one submission).

Conditions:
Inborn genetic diseases. Identifiers: MedGen C0950123, MeSH D030342.

gnomAD v4.1: 1 of 1,613,956 alleles (0.000062%); highest among the groups gnomAD compares: East Asian, 0.0022%; no homozygotes.

Submission:

Ambry Genetics
Classification: Uncertain significance for Inborn genetic diseases. Last evaluated: 2026-05-19. Review status: criteria provided, single submitter. Criteria: Ambry Variant Classification Scheme 2023. Collection method: clinical testing. Allele origin: germline.
Comment: The p.E206A variant (also known as c.617A>C), located in coding exon 5 of the MECOM gene, results from an A to C substitution at nucleotide position 617. The glutamic acid at codon 206 is replaced by alanine, an amino acid with dissimilar properties. This amino acid position is conserved. In addition, the in silico prediction for this alteration is inconclusive. Based on the available evidence, the clinical significance of this variant remains unclear.